The following is an entry in ClinVar:

NM_020297.4(ABCC9):c.4237T>G (p.Cys1413Gly)

Genes: KCNJ8-AS1 (KCNJ8 antisense RNA 1; plus strand), ABCC9 (ATP binding cassette subfamily C member 9; minus strand). Cytogenetic location: 12p12.1.
Variant type: single nucleotide variant.
Coding change: c.4237T>G on transcript NM_020297.4 (MANE Select); coding-DNA position 4237, T replaced by G.
Protein change: p.Cys1413Gly; replaces cysteine 1413 with glycine.
Molecular consequence: missense variant.
Genome position (GRCh38, 1-based): chr12:21,809,930, A>C on the plus strand (T>G on the coding strand, the complement: ABCC9 is on the minus strand). VCF-style: chr12-21809930-A-C. GRCh37 (hg19) VCF-style: chr12-21962864-A-C.
Other names: c.4237T>G, p.Cys1413Gly (NM_001377273.1, NM_005691.4); c.3370T>G, p.Cys1124Gly (NM_001377274.1); short protein forms C1413G, C1124G.
Identifiers: ClinVar variation 1368966 (VCV001368966.8), dbSNP rs1298675223, ClinGen allele CA384133550.

ClinVar aggregate classification (germline): Uncertain significance (1 of 4 stars; one submission).

Conditions:
Dilated cardiomyopathy 1O (CMD1O). Also called: CARDIOMYOPATHY, DILATED, WITH VENTRICULAR TACHYCARDIA. Identifiers: Orphanet 154, MedGen C1837839, MONDO:0012062, OMIM 608569.

Allele frequency attached by ClinVar (database versions not stated): gnomAD exomes below 0.00001.
gnomAD v4.1: 1 of 1,611,936 alleles (0.000062%); no homozygotes.

Submission:

Labcorp Genetics (formerly Invitae), Labcorp
Classification: Uncertain significance for Dilated cardiomyopathy 1O. Last evaluated: 2022-07-02. Review status: criteria provided, single submitter. Criteria: Invitae Variant Classification Sherloc (09022015). Collection method: clinical testing. Allele origin: germline.
Comment: This variant is present in population databases (no rsID available, gnomAD 0.0009%). In summary, the available evidence is currently insufficient to determine the role of this variant in disease. Therefore, it has been classified as a Variant of Uncertain Significance. Algorithms developed to predict the effect of missense changes on protein structure and function (SIFT, PolyPhen-2, Align-GVGD) all suggest that this variant is likely to be tolerated. ClinVar contains an entry for this variant (Variation ID: 1368966). This variant has not been reported in the literature in individuals affected with ABCC9-related conditions. This sequence change replaces cysteine, which is neutral and slightly polar, with glycine, which is neutral and non-polar, at codon 1413 of the ABCC9 protein (p.Cys1413Gly).